The following is an entry in ClinVar:

ClinVar aggregate classification (germline): Uncertain significance. Review status: criteria provided, multiple submitters, no conflicts (2 of 4 stars). 3 submissions from 3 submitters: Uncertain significance (3). Last evaluated 2026-01-11.

Conditions:
Cardiovascular phenotype. Identifiers: MedGen CN230736.
Noonan syndrome 9 (NS9). Identifiers: Orphanet 648, MedGen C4225282, MONDO:0014691, OMIM 616559.

Allele frequency attached by ClinVar (database versions not stated): gnomAD exomes 0.00001; TOPMed 0.00001; gnomAD 0.00001.
gnomAD v4.1: 7 of 1,610,878 alleles (0.00043%); highest among the groups gnomAD compares: Non-Finnish European, 0.00059%; no homozygotes.

Submissions (3):

Labcorp Genetics (formerly Invitae), Labcorp
Classification: Uncertain significance for Noonan syndrome 9. Last evaluated: 2026-01-11. Review status: criteria provided, single submitter. Criteria: Invitae Variant Classification Sherloc (09022015). Collection method: clinical testing. Allele origin: germline.
Comment: This sequence change replaces serine, which is neutral and polar, with threonine, which is neutral and polar, at codon 192 of the SOS2 protein (p.Ser192Thr). This variant is not present in population databases (gnomAD no frequency). This variant has not been reported in the literature in individuals affected with SOS2-related conditions. ClinVar contains an entry for this variant (Variation ID: 1328526). Invitae Evidence Modeling of protein sequence and biophysical properties (such as structural, functional, and spatial information, amino acid conservation, physicochemical variation, residue mobility, and thermodynamic stability) indicates that this missense variant is not expected to disrupt SOS2 protein function with a negative predictive value of 95%. In summary, the available evidence is currently insufficient to determine the role of this variant in disease. Therefore, it has been classified as a Variant of Uncertain Significance.

Ambry Genetics
Classification: Uncertain significance for Cardiovascular phenotype. Last evaluated: 2024-05-06. Review status: criteria provided, single submitter. Criteria: Ambry Variant Classification Scheme 2023. Collection method: clinical testing. Allele origin: germline.

Illumina Laboratory Services, Illumina
Classification: Uncertain significance for Noonan syndrome 9. Last evaluated: 2021-05-20. Review status: criteria provided, single submitter. Criteria: ICSLVariantClassificationCriteria RUGD 01 April 2020. Collection method: clinical testing. Allele origin: unknown.
Comment: The SOS2 c.575G>C (p.Ser192Thr) variant is a missense variant. A literature search was performed for the gene, cDNA change, and amino acid change. No publications were found based on this search. This variant is reported at a frequency of 0.000029 in the European (non-Finnish) population of version v3.1.1 of the Genome Aggregation Database, though this is based on two alleles in a region of good sequence coverage so the variant is presumed to be rare. Based on the limited evidence, the p.Ser192Thr variant is classified as a variant of uncertain significance for Noonan syndrome.

NM_006939.4(SOS2):c.575G>C (p.Ser192Thr)

Gene: SOS2 (SOS Ras/Rho guanine nucleotide exchange factor 2; minus strand). Cytogenetic location: 14q21.3.
Variant type: single nucleotide variant.
Coding change: c.575G>C on transcript NM_006939.4 (MANE Select); coding-DNA position 575, G replaced by C.
Protein change: p.Ser192Thr; replaces serine 192 with threonine.
Molecular consequence: missense variant.
Genome position (GRCh38, 1-based): chr14:50,188,636, C>G on the plus strand (G>C on the coding strand, the complement: SOS2 is on the minus strand). VCF-style: chr14-50188636-C-G. GRCh37 (hg19) VCF-style: chr14-50655354-C-G.
Other names: c.575G>C (NM_006939.2); short protein forms S192T.
Identifiers: ClinVar variation 1328526 (VCV001328526.8), dbSNP rs1886005182, ClinGen allele CA389648233.